The following is an entry in ClinVar:

NM_001127222.2(CACNA1A):c.2931G>C (p.Ala977=)

Gene: CACNA1A (calcium voltage-gated channel subunit alpha1 A; minus strand). Cytogenetic location: 19p13.13.
Variant type: single nucleotide variant.
Coding change: c.2931G>C on transcript NM_001127222.2 (MANE Select); coding-DNA position 2931, G replaced by C.
Protein change: p.Ala977=; no amino-acid change (alanine 977 retained).
Molecular consequence: synonymous variant.
Genome position (GRCh38, 1-based): chr19:13,298,702, C>G on the plus strand (G>C on the coding strand, the complement: CACNA1A is on the minus strand). VCF-style: chr19-13298702-C-G. GRCh37 (hg19) VCF-style: chr19-13409516-C-G.
Other names: c.2943G>C, p.Ala981= (NM_000068.4, NM_023035.3); c.2934G>C, p.Ala978= (NM_001127221.2, NM_001174080.2).
Identifiers: ClinVar variation 2684114 (VCV002684114.1), dbSNP rs2512905714, ClinGen allele CA505785303.

ClinVar aggregate classification (germline): Uncertain significance (1 of 4 stars; one submission).

Submission:

Athena Diagnostics
Classification: Uncertain significance. Last evaluated: 2023-07-10. Review status: criteria provided, single submitter. Criteria: Athena Diagnostics Criteria. Collection method: clinical testing. Allele origin: unknown.
Comment: Available data are insufficient to determine the clinical significance of the variant at this time. This variant has not been reported in large, multi-ethnic general populations. Computational tools yielded predictions that this variant is unlikely to have an effect on normal RNA splicing.